The following is an entry in ClinVar:

NM_001256071.3(RNF213):c.8072T>C (p.Val2691Ala)

Gene: RNF213 (ring finger protein 213; plus strand). Cytogenetic location: 17q25.3.
Variant type: single nucleotide variant.
Coding change: c.8072T>C on transcript NM_001256071.3 (MANE Select); coding-DNA position 8072, T replaced by C.
Protein change: p.Val2691Ala; replaces valine 2691 with alanine.
Molecular consequence: missense variant.
Genome position (GRCh38, 1-based): chr17:80,346,407, T>C. VCF-style: chr17-80346407-T-C. GRCh37 (hg19) VCF-style: chr17-78320207-T-C.
Other names: c.8219T>C, p.Val2740Ala (NM_001410195.1, NM_020914.5); short protein forms V2691A, V2740A.
Identifiers: ClinVar variation 4702406 (VCV004702406.1).

ClinVar aggregate classification (germline): Uncertain significance (1 of 4 stars; one submission).

gnomAD v4.1: 1 of 1,612,362 alleles (0.000062%); highest among the groups gnomAD compares: Non-Finnish European, 0.000085%; no homozygotes.

Submission:

Labcorp Genetics (formerly Invitae), Labcorp
Classification: Uncertain significance. Last evaluated: 2025-04-06. Review status: criteria provided, single submitter. Criteria: Invitae Variant Classification Sherloc (09022015). Collection method: clinical testing. Allele origin: germline.
Comment: This sequence change replaces valine, which is neutral and non-polar, with alanine, which is neutral and non-polar, at codon 2691 of the RNF213 protein (p.Val2691Ala). This variant is present in population databases (rs771635323, gnomAD 0.0009%). This variant has not been reported in the literature in individuals affected with RNF213-related conditions. Invitae Evidence Modeling of protein sequence and biophysical properties (such as structural, functional, and spatial information, amino acid conservation, physicochemical variation, residue mobility, and thermodynamic stability) indicates that this missense variant is not expected to disrupt RNF213 protein function with a negative predictive value of 95%. In summary, the available evidence is currently insufficient to determine the role of this variant in disease. Therefore, it has been classified as a Variant of Uncertain Significance.